The following is an entry in ClinVar:

ClinVar aggregate classification (germline): Benign/Likely benign. Review status: criteria provided, multiple submitters, no conflicts (2 of 4 stars). 3 submissions from 3 submitters: Benign (1); Likely benign (2). Last evaluated 2024-08-12.

Conditions:
Familial cancer of breast. Also called: BREAST CANCER, FAMILIAL; Hereditary breast cancer; hereditary breast carcinoma. Identifiers: Orphanet 227535, MedGen C0346153, MONDO:0016419, OMIM 114480. Disease mechanism: loss of function.
Ataxia-telangiectasia syndrome (AT). Also called: Ataxia-telangiectasia, complementation group E; Ataxia-telangiectasia, complementation group D; Ataxia telangiectasia (A-T); LOUIS-BAR SYNDROME; ATAXIA-TELANGIECTASIA, COMPLEMENTATION GROUP A; ATAXIA-TELANGIECTASIA, FRESNO VARIANT. Identifiers: Orphanet 100, MedGen C0004135, MONDO:0008840, OMIM 208900.
Hereditary cancer-predisposing syndrome. Also called: Neoplastic Syndromes, Hereditary; Hereditary Cancer Syndrome; Tumor predisposition; Hereditary neoplastic syndrome. Identifiers: Orphanet 140162, MedGen C0027672, MeSH D009386, MONDO:0015356.

Allele frequency attached by ClinVar (database versions not stated): gnomAD exomes below 0.00001 and 0.00001; gnomAD 0.00001; ExAC 0.00002.
gnomAD v4.1: 9 of 1,613,502 alleles (0.00056%); highest among the groups gnomAD compares: Non-Finnish European, 0.00042%; no homozygotes.

Submissions (3):

Labcorp Genetics (formerly Invitae), Labcorp
Classification: Likely benign for Ataxia-telangiectasia syndrome. Last evaluated: 2024-08-12. Review status: criteria provided, single submitter. Criteria: Invitae Variant Classification Sherloc (09022015). Collection method: clinical testing. Allele origin: germline.

Myriad Genetics, Inc.
Classification: Benign for Familial cancer of breast. Last evaluated: 2024-04-24. Review status: criteria provided, single submitter. Criteria: Myriad Autosomal Dominant, Autosomal Recessive and X-Linked Classification Criteria (2023). Collection method: clinical testing. Allele origin: unknown.
Comment: This variant is considered benign. This variant is a silent/synonymous amino acid change and it is not expected to impact splicing.

Ambry Genetics
Classification: Likely benign for Hereditary cancer-predisposing syndrome. Last evaluated: 2023-04-14. Review status: criteria provided, single submitter. Criteria: Ambry Variant Classification Scheme 2023. Collection method: clinical testing. Allele origin: germline.

NM_000051.4(ATM):c.1023C>T (p.Val341=)

Gene: ATM (ATM serine/threonine kinase; plus strand). Cytogenetic location: 11q22.3.
Variant type: single nucleotide variant.
Coding change: c.1023C>T on transcript NM_000051.4 (MANE Select); coding-DNA position 1023, C replaced by T.
Protein change: p.Val341=; no amino-acid change (valine 341 retained).
Molecular consequence: synonymous variant.
Genome position (GRCh38, 1-based): chr11:108,247,085, C>T. VCF-style: chr11-108247085-C-T. GRCh37 (hg19) VCF-style: chr11-108117812-C-T.
Other names: c.1023C>T, p.Val341= (NM_001351834.2).
Identifiers: ClinVar variation 798979 (VCV000798979.11), dbSNP rs35728619, ClinGen allele CA6264721.